The following is an entry in ClinVar:

ClinVar aggregate classification (germline): Uncertain significance (1 of 4 stars; one submission).

gnomAD v4.1: 3 of 1,612,946 alleles (0.00019%); highest among the groups gnomAD compares: Non-Finnish European, 0.00025%; no homozygotes.

Submission:

Women's Health and Genetics/Laboratory Corporation of America, LabCorp
Classification: Uncertain significance. Last evaluated: 2026-03-23. Review status: criteria provided, single submitter. Criteria: LabCorp Variant Classification Summary - May 2015. Collection method: clinical testing. Allele origin: germline.
Comment: Variant summary: DSE c.1668G>C (p.Arg556Ser) results in a non-conservative amino acid change in the encoded protein sequence. Algorithms developed to predict the effect of missense changes on protein structure and function are either unavailable or do not agree on the potential impact of this missense change. The variant was absent in 251226 control chromosomes. The available data on variant occurrences in the general population are insufficient to allow any conclusion about variant significance. To our knowledge, no occurrence of c.1668G>C in individuals affected with DSE-related conditions and no experimental evidence demonstrating its impact on protein function have been reported. No submitters have cited clinical-significance assessments for this variant to ClinVar. Based on the evidence outlined above, the variant was classified as uncertain significance.

NM_013352.4(DSE):c.1668G>C (p.Arg556Ser)

Gene: DSE (dermatan sulfate epimerase; plus strand). Cytogenetic location: 6q22.1.
Variant type: single nucleotide variant.
Coding change: c.1668G>C on transcript NM_013352.4 (MANE Select); coding-DNA position 1668, G replaced by C.
Protein change: p.Arg556Ser; replaces arginine 556 with serine.
Molecular consequence: missense variant. On other transcripts: 3 prime UTR variant (2), non-coding transcript variant (1).
Genome position (GRCh38, 1-based): chr6:116,436,136, G>C. VCF-style: chr6-116436136-G-C. GRCh37 (hg19) VCF-style: chr6-116757299-G-C.
Other names: c.1107G>C, p.Arg369Ser (NM_001322940.2, NM_001322941.2); c.*533G>C (NM_001322943.2, NM_001322944.2); c.669G>C, p.Arg223Ser (NM_001374520.1); c.633G>C, p.Arg211Ser (NM_001374521.1); c.1668G>C, p.Arg556Ser (NM_001080976.3, NM_001322937.2, NM_001322938.2); c.1725G>C, p.Arg575Ser (NM_001322939.2); short protein forms R211S, R223S, R369S, R556S, R575S.
Identifiers: ClinVar variation 4847755 (VCV004847755.1).